The following is an entry in ClinVar:

NM_004304.5(ALK):c.364A>G (p.Thr122Ala)

Gene: ALK (ALK receptor tyrosine kinase; minus strand). Cytogenetic location: 2p23.1.
Variant type: single nucleotide variant.
Coding change: c.364A>G on transcript NM_004304.5 (MANE Select); coding-DNA position 364, A replaced by G.
Protein change: p.Thr122Ala; replaces threonine 122 with alanine.
Molecular consequence: missense variant.
Genome position (GRCh38, 1-based): chr2:29,920,296, T>C on the plus strand (A>G on the coding strand, the complement: ALK is on the minus strand). VCF-style: chr2-29920296-T-C. GRCh37 (hg19) VCF-style: chr2-30143162-T-C.
Other names: short protein forms T122A.
Identifiers: ClinVar variation 575925 (VCV000575925.8), dbSNP rs1558549790, ClinGen allele CA346590185.

ClinVar aggregate classification (germline): Uncertain significance (1 of 4 stars; one submission).

Conditions:
Neuroblastoma, susceptibility to, 3. Also called: ALK-Related Neuroblastic Tumor Susceptibility. Identifiers: Orphanet 635, MedGen C2751681, MONDO:0013083, OMIM 613014.

Allele frequency attached by ClinVar (database versions not stated): TOPMed below 0.00001.

Submission:

Labcorp Genetics (formerly Invitae), Labcorp
Classification: Uncertain significance for Neuroblastoma, susceptibility to, 3. Last evaluated: 2024-03-10. Review status: criteria provided, single submitter. Criteria: Invitae Variant Classification Sherloc (09022015). Collection method: clinical testing. Allele origin: germline.
Comment: This sequence change replaces threonine, which is neutral and polar, with alanine, which is neutral and non-polar, at codon 122 of the ALK protein (p.Thr122Ala). This variant is not present in population databases (gnomAD no frequency). This variant has not been reported in the literature in individuals affected with ALK-related conditions. ClinVar contains an entry for this variant (Variation ID: 575925). Algorithms developed to predict the effect of missense changes on protein structure and function output the following: SIFT: "Not Available"; PolyPhen-2: "Benign"; Align-GVGD: "Not Available". The alanine amino acid residue is found in multiple mammalian species, which suggests that this missense change does not adversely affect protein function. In summary, the available evidence is currently insufficient to determine the role of this variant in disease. Therefore, it has been classified as a Variant of Uncertain Significance.